The following is an entry in ClinVar:

ClinVar aggregate classification (germline): Benign/Likely benign. Review status: criteria provided, multiple submitters, no conflicts (2 of 4 stars). 4 submissions from 4 submitters: Benign (3); Likely benign (1). Last evaluated 2026-02-04.

Conditions:
Severe combined immunodeficiency due to DNA-PKcs deficiency. Also called: IMMUNODEFICIENCY 26 WITH NEUROLOGIC ABNORMALITIES; Immunodeficiency 26 with or without neurologic abnormalities. Identifiers: Orphanet 317425, MedGen C4014833, MONDO:0014423, OMIM 615966.

Allele frequency attached by ClinVar (database versions not stated): 1000 Genomes Project 0.01597; 1000 Genomes Project 30x 0.01733; TOPMed 0.03405; gnomAD 0.03454 and 0.03559; ESP Exome Variant Server 0.03538; gnomAD exomes 0.03830 and 0.04513; ExAC 0.04314.
gnomAD v4.1: 70,956 of 1,612,892 alleles (4.4%); highest among the groups gnomAD compares: Non-Finnish European, 5%; 1,811 homozygotes.

Submissions (4):

Labcorp Genetics (formerly Invitae), Labcorp
Classification: Benign for Severe combined immunodeficiency due to DNA-PKcs deficiency. Last evaluated: 2026-02-04. Review status: criteria provided, single submitter. Criteria: Invitae Variant Classification Sherloc (09022015). Collection method: clinical testing. Allele origin: germline.

Blueprint Genetics
Classification: Likely benign. Last evaluated: 2024-11-27. Review status: criteria provided, single submitter. Criteria: ACMG Guidelines, 2015. Collection method: clinical testing. Allele origin: germline.

GeneDx
Classification: Benign. Last evaluated: 2016-03-22. Review status: criteria provided, single submitter. Criteria: GeneDx Variant Classification (06012015). Collection method: clinical testing. Allele origin: germline. Affected: yes.
Comment: This variant is considered likely benign or benign based on one or more of the following criteria: it is a conservative change, it occurs at a poorly conserved position in the protein, it is predicted to be benign by multiple in silico algorithms, and/or has population frequency not consistent with disease.

Breakthrough Genomics
Classification: Benign. Review status: criteria provided, single submitter. Criteria: ACMG Guidelines, 2015. Collection method: not provided. Allele origin: germline. Inheritance: Autosomal recessive inheritance. Affected: yes.

NM_006904.7(PRKDC):c.8695C>T (p.Arg2899Cys)

Genes: PRKDC (protein kinase, DNA-activated, catalytic subunit; minus strand), LOC121740717 (Sharpr-MPRA regulatory region 7649; plus strand). Cytogenetic location: 8q11.21.
Variant type: single nucleotide variant.
Coding change: c.8695C>T on transcript NM_006904.7 (MANE Select); coding-DNA position 8695, C replaced by T.
Protein change: p.Arg2899Cys; replaces arginine 2899 with cysteine.
Molecular consequence: missense variant.
Genome position (GRCh38, 1-based): chr8:47,826,744, G>A on the plus strand (C>T on the coding strand, the complement: PRKDC is on the minus strand). VCF-style: chr8-47826744-G-A. GRCh37 (hg19) VCF-style: chr8-48739305-G-A.
Other names: c.8695C>T, p.Arg2899Cys (NM_001081640.2); short protein forms R2899C.
Identifiers: ClinVar variation 379649 (VCV000379649.12), dbSNP rs4278157, ClinGen allele CA4739759.